The following is an entry in ClinVar:

NM_003242.6(TGFBR2):c.31C>T (p.Pro11Ser)

Gene: TGFBR2 (transforming growth factor beta receptor 2; plus strand). Cytogenetic location: 3p24.1.
Variant type: single nucleotide variant.
Coding change: c.31C>T on transcript NM_003242.6 (MANE Select); coding-DNA position 31, C replaced by T.
Protein change: p.Pro11Ser; replaces proline 11 with serine.
Molecular consequence: missense variant.
Genome position (GRCh38, 1-based): chr3:30,606,914, C>T. VCF-style: chr3-30606914-C-T. GRCh37 (hg19) VCF-style: chr3-30648406-C-T.
Other names: c.31C>T (NM_003242.5); c.31C>T, p.Pro11Ser (NM_001024847.3, NM_001407126.1, NM_001407127.1 and 4 more transcripts); c.-253C>T (NM_001407133.1); c.-131C>T (NM_001407134.1); c.-178C>T (NM_001407135.1); c.-263C>T (NM_001407136.1); short protein forms P11S.
Identifiers: ClinVar variation 1939502 (VCV001939502.3), dbSNP rs1201208132, ClinGen allele CA351830514.

ClinVar aggregate classification (germline): Uncertain significance. Review status: criteria provided, multiple submitters, no conflicts (2 of 4 stars). 2 submissions from 2 submitters: Uncertain significance (2). Last evaluated 2024-04-24.

Conditions:
Familial thoracic aortic aneurysm and aortic dissection (TAAD). Also called: Thoracic aortic aneurysms and dissections. Identifiers: Orphanet 91387, MedGen C4707243, MONDO:0019625.

Submissions (2):

GeneDx
Classification: Uncertain significance. Last evaluated: 2024-04-24. Review status: criteria provided, single submitter. Criteria: GeneDx Variant Classification Process June 2021. Collection method: clinical testing. Allele origin: germline. Affected: yes.
Comment: Has not been previously published as pathogenic or benign to our knowledge; Not observed at significant frequency in large population cohorts (gnomAD); In silico analysis indicates that this missense variant does not alter protein structure/function

Labcorp Genetics (formerly Invitae), Labcorp
Classification: Uncertain significance for Familial thoracic aortic aneurysm and aortic dissection. Last evaluated: 2021-09-24. Review status: criteria provided, single submitter. Criteria: Invitae Variant Classification Sherloc (09022015). Collection method: clinical testing. Allele origin: germline.
Comment: This sequence change replaces proline with serine at codon 11 of the TGFBR2 protein (p.Pro11Ser). The proline residue is weakly conserved and there is a moderate physicochemical difference between proline and serine. This variant is not present in population databases (ExAC no frequency). This variant has not been reported in the literature in individuals with TGFBR2-related conditions. Advanced modeling of protein sequence and biophysical properties (such as structural, functional, and spatial information, amino acid conservation, physicochemical variation, residue mobility, and thermodynamic stability) performed at Invitae indicates that this missense variant is not expected to disrupt TGFBR2 protein function. In summary, the available evidence is currently insufficient to determine the role of this variant in disease. Therefore, it has been classified as a Variant of Uncertain Significance.